The following is an entry in ClinVar:

NM_000053.4(ATP7B):c.1875T>C (p.Ile625=)

Gene: ATP7B (ATPase copper transporting beta; minus strand). Cytogenetic location: 13q14.3.
Variant type: single nucleotide variant.
Coding change: c.1875T>C on transcript NM_000053.4 (MANE Select); coding-DNA position 1875, T replaced by C.
Protein change: p.Ile625=; no amino-acid change (isoleucine 625 retained).
Molecular consequence: synonymous variant. On other transcripts: intron variant (2).
Genome position (GRCh38, 1-based): chr13:51,961,908, A>G on the plus strand (T>C on the coding strand, the complement: ATP7B is on the minus strand). VCF-style: chr13-51961908-A-G. GRCh37 (hg19) VCF-style: chr13-52536044-A-G.
Other names: c.1542T>C, p.Ile514= (NM_001243182.2); c.1875T>C, p.Ile625= (NM_001330578.2); c.1869+2964T>C (NM_001005918.3, NM_001330579.2).
Identifiers: ClinVar variation 797567 (VCV000797567.12), dbSNP rs756958229, ClinGen allele CA483896440.

ClinVar aggregate classification (germline): Likely benign. Review status: criteria provided, multiple submitters, no conflicts (2 of 4 stars). 4 submissions from 4 submitters: Likely benign (4). Last evaluated 2026-01-23.

Conditions:
Wilson disease (WND). Also called: Wilson's disease. Identifiers: Orphanet 905, MedGen C0019202, MONDO:0010200, OMIM 277900. Disease mechanism: loss of function.

Allele frequency attached by ClinVar (database versions not stated): gnomAD 0.00002; TOPMed 0.00002.
gnomAD v4.1: 47 of 1,613,512 alleles (0.0029%); highest among the groups gnomAD compares: Non-Finnish European, 0.0039%; no homozygotes.

Submissions (4):

Labcorp Genetics (formerly Invitae), Labcorp
Classification: Likely benign for Wilson disease. Last evaluated: 2026-01-23. Review status: criteria provided, single submitter. Criteria: Invitae Variant Classification Sherloc (09022015). Collection method: clinical testing. Allele origin: germline.

All of Us Research Program, National Institutes of Health
Classification: Likely benign for Wilson disease. Last evaluated: 2024-02-05. Review status: criteria provided, single submitter. Criteria: ACMG Guidelines, 2015. Collection method: clinical testing. Allele origin: germline. Inheritance: Autosomal recessive inheritance. Observed: 5 variant alleles, 5 heterozygotes.
Comment: This study involves interpretation of variants in research participants for the purpose of population health screening. Participant phenotype was not available at the time of variant classification. Additional details can be found in publication PMID: 35346344, PMCID: PMC8962531

Color Diagnostics, LLC DBA Color Health
Classification: Likely benign for Wilson disease. Last evaluated: 2023-01-25. Review status: criteria provided, single submitter. Criteria: ACMG Guidelines, 2015. Collection method: clinical testing. Allele origin: germline.

Fulgent Genetics
Classification: Likely benign for Wilson disease. Last evaluated: 2022-03-24. Review status: criteria provided, single submitter. Criteria: ACMG Guidelines, 2015. Collection method: clinical testing. Allele origin: unknown.